The following is an entry in ClinVar:

ClinVar aggregate classification (germline): Uncertain significance (1 of 4 stars; one submission).

Allele frequency attached by ClinVar (database versions not stated): gnomAD 0.00001.
gnomAD v4.1: 8 of 1,596,114 alleles (0.0005%); highest among the groups gnomAD compares: African/African-American, 0.0013%; no homozygotes.

Submission:

Labcorp Genetics (formerly Invitae), Labcorp
Classification: Uncertain significance. Last evaluated: 2022-09-07. Review status: criteria provided, single submitter. Criteria: Invitae Variant Classification Sherloc (09022015). Collection method: clinical testing. Allele origin: germline.
Comment: This variant has not been reported in the literature in individuals affected with ARHGEF1-related conditions. The frequency data for this variant in the population databases is considered unreliable, as metrics indicate poor data quality at this position in the gnomAD database. This sequence change replaces arginine, which is basic and polar, with glutamine, which is neutral and polar, at codon 724 of the ARHGEF1 protein (p.Arg724Gln). Algorithms developed to predict the effect of missense changes on protein structure and function are either unavailable or do not agree on the potential impact of this missense change (SIFT: "Deleterious"; PolyPhen-2: "Possibly Damaging"; Align-GVGD: "Class C0"). In summary, the available evidence is currently insufficient to determine the role of this variant in disease. Therefore, it has been classified as a Variant of Uncertain Significance.

NM_004706.4(ARHGEF1):c.2126G>A (p.Arg709Gln)

Gene: ARHGEF1 (Rho guanine nucleotide exchange factor 1; plus strand). Cytogenetic location: 19q13.2.
Variant type: single nucleotide variant.
Coding change: c.2126G>A on transcript NM_004706.4 (MANE Select); coding-DNA position 2126, G replaced by A.
Protein change: p.Arg709Gln; replaces arginine 709 with glutamine.
Molecular consequence: missense variant. On other transcripts: non-coding transcript variant (2).
Genome position (GRCh38, 1-based): chr19:41,904,348, G>A. VCF-style: chr19-41904348-G-A. GRCh37 (hg19) VCF-style: chr19-42408500-G-A.
Other names: c.2294G>A, p.Arg765Gln (NM_001396000.1); c.2027G>A, p.Arg676Gln (NM_001396002.1, NM_001396004.1, NM_198977.2); c.2126G>A, p.Arg709Gln (NM_001396003.1, NM_001396006.1); c.2171G>A, p.Arg724Gln (NM_199002.2); short protein forms R676Q, R709Q, R724Q, R765Q.
Identifiers: ClinVar variation 1948985 (VCV001948985.5), dbSNP rs1451420511, ClinGen allele CA406064762.